The following is an entry in ClinVar:

NM_005859.5(PURA):c.74del (p.Gly25fs)

Gene: PURA (purine rich element binding protein A; plus strand). Cytogenetic location: 5q31.3.
Variant type: Deletion.
Coding change: c.74del on transcript NM_005859.5 (MANE Select); coding-DNA position 74, one base deleted (G; older notation c.74delG).
Protein change: p.Gly25fs; shifts the reading frame from glycine 25.
Molecular consequence: frameshift variant.
Genome position (GRCh38, 1-based): chr5:140,114,255, G deleted; the last of 2 consecutive G bases (chr5:140,114,254-140,114,255); deleting either gives the same sequence. VCF-style (leftmost placement, unchanged base first): chr5-140114253-CG-C. GRCh37 (hg19) VCF-style: chr5-139493838-CG-C.
Other names: short protein forms G25fs.
Identifiers: ClinVar variation 1699218 (VCV001699218.2), dbSNP rs2126748581, ClinGen allele CA1139532824.

ClinVar aggregate classification (germline): Pathogenic (1 of 4 stars; one submission).

Conditions:
PURA-related severe neonatal hypotonia-seizures-encephalopathy syndrome (NEDRIHF). Also called: NEURODEVELOPMENTAL DISORDER WITH NEONATAL RESPIRATORY INSUFFICIENCY, HYPOTONIA, AND FEEDING DIFFICULTIES; PURA-Related Neurodevelopmental Disorders. Identifiers: Orphanet 438213, Orphanet 438216, MedGen C4015357, MONDO:1060108, OMIM 616158, MONDO:0018580.

Submission:

Victorian Clinical Genetics Services, Murdoch Childrens Research Institute
Classification: Pathogenic for PURA-related severe neonatal hypotonia-seizures-encephalopathy syndrome. Last evaluated: 2020-10-19. Review status: criteria provided, single submitter. Criteria: ACMG Guidelines, 2015. Collection method: clinical testing. Allele origin: germline. Inheritance: Autosomal dominant inheritance.
Comment: Based on the classification scheme VCGS_Germline_v1.3.3, this variant is classified as Pathogenic. Following criteria are met: 0105 - The mechanism of disease for this gene is not clearly established. (I) 0107 - This gene is associated with autosomal dominant disease. (I) 0204 - Variant is predicted to result in a truncated protein (premature termination codon is NOT located at least 54 nucleotides upstream of the final exon-exon junction) with at least 1/3 of the protein sequence affected. (SP) 0251 - This variant is heterozygous. (I) 0301 - Variant is absent from gnomAD (both v2 and v3). (SP) 0701 - Other truncating variants comparable to the one identified in this case have very strong previous evidence for pathogenicity. More than 10 truncating variants have been reported downstream from this variant (Clinvar). (SP) 0802 - This variant has moderate previous evidence of pathogenicity in unrelated individuals. A different variant (c.72del) leading to the same predicted protein consequences has been reported to be de novo in a single patient with PURA-related neurodevelopmental disorder (PMID: 32089526). (SP) 0905 - No published segregation evidence has been identified for this variant. (I) 1007 - No published functional evidence has been identified for this variant. (SP) Legend: (SP) - Supporting pathogenic, (I) - Information, (SB) - Supporting benign

Literature cited by the submitters: PubMed 32089526.